The following is an entry in ClinVar:

GRCh38/hg38 1q21.1-21.2(chr1:146987841-148328747)x1

Genes: ACP6 (acid phosphatase 6, lysophosphatidic; minus strand), BCL9 (BCL9 transcription coactivator; plus strand), CHD1L (chromodomain helicase DNA binding protein 1 like; plus strand), FMO5 (flavin containing dimethylaniline monoxygenase 5; minus strand), GJA5 (gap junction protein alpha 5; minus strand) and 44 more. Cytogenetic location: 1q21.1-21.2.
Variant type: copy number loss.
Change: copy number 1 (one copy instead of two) of chr1:146,987,841-148,328,747 (1.34 Mb, GRCh38 coordinates, 1-based), cytogenetic band 1q21.1-21.2.
Identifiers: ClinVar variation 58513 (VCV000058513.3).

ClinVar aggregate classification (germline): Pathogenic (1 of 4 stars; one submission).

Submission:

ISCA Site 6
Classification: Pathogenic. Last evaluated: 2011-08-12. Review status: criteria provided, single submitter. Criteria: Kaminsky et al. (Genet Med. 2011). Collection method: clinical testing. Allele origin: unknown. Affected: yes. Observed: 4 variant alleles. Clinical features observed: Global developmental delay (HP:0001263), Failure to thrive (HP:0001508), Microcephaly (HP:0000252), Developmental delay AND/OR other significant developmental or morphological phenotypes, Obesity (HP:0001513).
Comment: Copy number variation identified through the course of routine clinical cytogenomic testing in postnatal populations. Clinical assertions have been curated as described in Kaminsky et al. 2011.